The following is an entry in ClinVar:

NM_002474.3(MYH11):c.5338G>T (p.Ala1780Ser)

Genes: MYH11 (myosin heavy chain 11; minus strand), NDE1 (nudE neurodevelopment protein 1; plus strand). Cytogenetic location: 16p13.11.
Variant type: single nucleotide variant.
Coding change: c.5338G>T on transcript NM_002474.3 (MANE Select); coding-DNA position 5338, G replaced by T.
Protein change: p.Ala1780Ser; replaces alanine 1780 with serine.
Molecular consequence: missense variant. On other transcripts: intron variant (2).
Genome position (GRCh38, 1-based): chr16:15,717,306, C>A on the plus strand (G>T on the coding strand, the complement: MYH11 is on the minus strand). VCF-style: chr16-15717306-C-A. GRCh37 (hg19) VCF-style: chr16-15811163-C-A.
Other names: c.5359G>T, p.Ala1787Ser (NM_001040113.2, NM_001040114.2); c.5338G>T, p.Ala1780Ser (NM_022844.3); c.948-6885C>A (NM_001143979.2, NM_017668.3); short protein forms A1780S, A1787S.
Identifiers: ClinVar variation 519962 (VCV000519962.21), dbSNP rs1041344233, ClinGen allele CA278595139.
Genomic context (GRCh38, chr16:15,717,306, plus strand): 5'-TGCTCCGGAGCTCCTTGTTCTGCCGCTCGAGCTGCTGCCGGGCACTCTCATTCTTCTGGG[C>A]CGTGCTGCGCTCTGTGGCCAGCTCGTTGCTGAGCTGCTCGGCCTGGGGAGGAGAGTGAAG-3'
Protein context (NP_002465.1, residues 1770-1790): SNELATERST[Ala1780Ser]QKNESARQQL

ClinVar aggregate classification (germline): Conflicting classifications of pathogenicity. Review status: criteria provided, conflicting classifications (1 of 4 stars). 6 submissions from 6 submitters: Uncertain significance (5); Likely benign (1). Last evaluated 2026-08-26.

Conditions:
MYH11-related disorder. Also called: MYH11-related condition.
Aortic aneurysm, familial thoracic 4 (AAT4). Also called: AORTIC ANEURYSM/AORTIC DISSECTION AND PATENT DUCTUS ARTERIOSUS. Identifiers: MedGen C1851504, MONDO:0007568, OMIM 132900.
Visceral myopathy 2. Identifiers: MedGen C5543466, MONDO:0859157, OMIM 619350.
Megacystis-microcolon-intestinal hypoperistalsis syndrome 2. Identifiers: MedGen C5543476, MONDO:0025708, OMIM 619351.
Familial thoracic aortic aneurysm and aortic dissection (TAAD). Also called: Thoracic aortic aneurysms and dissections. Identifiers: Orphanet 91387, MedGen C4707243, MONDO:0019625.

Allele frequency attached by ClinVar (database versions not stated): gnomAD exomes 0.00001; TOPMed 0.00002.
gnomAD v4.1: 11 of 1,612,116 alleles (0.00068%); highest among the groups gnomAD compares: Middle Eastern, 0.017%; no homozygotes.

Submissions (6):

PreventionGenetics, part of Exact Sciences
Classification: Uncertain significance for MYH11-related condition. Last evaluated: 2026-08-26. Review status: criteria provided, single submitter. Criteria: ACMG Guidelines, 2015. Collection method: clinical testing. Allele origin: germline.
Comment: The MYH11 c.5359G>T variant is predicted to result in the amino acid substitution p.Ala1787Ser. To our knowledge, this variant has not been reported in the literature. This variant is reported in 0.0033% of alleles in individuals of South Asian descent in gnomAD. At this time, the clinical significance of this variant is uncertain due to the absence of conclusive functional and genetic evidence.

Ambry Genetics
Classification: Likely benign for Familial thoracic aortic aneurysm and aortic dissection. Last evaluated: 2025-06-24. Review status: criteria provided, single submitter. Criteria: Ambry Variant Classification Scheme 2023. Collection method: clinical testing. Allele origin: germline.

Women's Health and Genetics/Laboratory Corporation of America, LabCorp
Classification: Uncertain significance. Last evaluated: 2024-04-21. Review status: criteria provided, single submitter. Criteria: LabCorp Variant Classification Summary - May 2015. Collection method: clinical testing. Allele origin: germline.

Labcorp Genetics (formerly Invitae), Labcorp
Classification: Uncertain significance for Aortic aneurysm, familial thoracic 4. Last evaluated: 2024-03-22. Review status: criteria provided, single submitter. Criteria: Invitae Variant Classification Sherloc (09022015). Collection method: clinical testing. Allele origin: germline.
Comment: This sequence change replaces alanine, which is neutral and non-polar, with serine, which is neutral and polar, at codon 1787 of the MYH11 protein (p.Ala1787Ser). This variant is present in population databases (no rsID available, gnomAD 0.003%). This variant has not been reported in the literature in individuals affected with MYH11-related conditions. ClinVar contains an entry for this variant (Variation ID: 519962). Advanced modeling of protein sequence and biophysical properties (such as structural, functional, and spatial information, amino acid conservation, physicochemical variation, residue mobility, and thermodynamic stability) performed at Invitae indicates that this missense variant is not expected to disrupt MYH11 protein function with a negative predictive value of 95%. In summary, the available evidence is currently insufficient to determine the role of this variant in disease. Therefore, it has been classified as a Variant of Uncertain Significance.

Color Diagnostics, LLC DBA Color Health
Classification: Uncertain significance for Familial thoracic aortic aneurysm and aortic dissection. Last evaluated: 2024-03-07. Review status: criteria provided, single submitter. Criteria: ACMG Guidelines, 2015. Collection method: clinical testing. Allele origin: germline.
Comment: This missense variant replaces alanine with serine at codon 1787 of the MYH11 protein. Computational prediction suggests that this variant may not impact protein structure and function (internally defined REVEL score threshold <= 0.5, PMID: 27666373). Splice site prediction tools suggest that this variant may not impact RNA splicing. To our knowledge, functional studies have not been performed for this variant. This variant has not been reported in individuals affected with cardiovascular disorders in the literature. This variant has been identified in 2/249314 chromosomes in the general population by the Genome Aggregation Database (gnomAD). The available evidence is insufficient to determine the role of this variant in disease conclusively. Therefore, this variant is classified as a Variant of Uncertain Significance.

Fulgent Genetics
Classification: Uncertain significance for Aortic aneurysm, familial thoracic 4; Visceral myopathy 2; Megacystis-microcolon-intestinal hypoperistalsis syndrome 2. Last evaluated: 2021-09-06. Review status: criteria provided, single submitter. Criteria: ACMG Guidelines, 2015. Collection method: clinical testing. Allele origin: unknown.